The following is an entry in ClinVar:

NM_014908.4(DOLK):c.1391T>G (p.Ile464Ser)

Gene: DOLK (dolichol kinase; minus strand). Cytogenetic location: 9q34.11.
Variant type: single nucleotide variant.
Coding change: c.1391T>G on transcript NM_014908.4 (MANE Select); coding-DNA position 1391, T replaced by G.
Protein change: p.Ile464Ser; replaces isoleucine 464 with serine.
Molecular consequence: missense variant.
Genome position (GRCh38, 1-based): chr9:128,945,913, A>C on the plus strand (T>G on the coding strand, the complement: DOLK is on the minus strand). VCF-style: chr9-128945913-A-C. GRCh37 (hg19) VCF-style: chr9-131708192-A-C.
Other names: short protein forms I464S.
Identifiers: ClinVar variation 1771565 (VCV001771565.2), dbSNP rs2492002844, ClinGen allele CA375117078.

ClinVar aggregate classification (germline): Uncertain significance (1 of 4 stars; one submission).

Conditions:
Cardiovascular phenotype. Identifiers: MedGen CN230736.

Submission:

Ambry Genetics
Classification: Uncertain significance for Cardiovascular phenotype. Last evaluated: 2020-03-02. Review status: criteria provided, single submitter. Criteria: Ambry Variant Classification Scheme 2023. Collection method: clinical testing. Allele origin: germline.
Comment: The p.I464S variant (also known as c.1391T>G), located in coding exon 1 of the DOLK gene, results from a T to G substitution at nucleotide position 1391. The isoleucine at codon 464 is replaced by serine, an amino acid with dissimilar properties. This amino acid position is well conserved in available vertebrate species. In addition, the in silico prediction for this alteration is inconclusive. Since supporting evidence is limited at this time, the clinical significance of this alteration remains unclear.